The following is an entry in ClinVar:

NM_000156.6(GAMT):c.-44C>A

Genes: GAMT (guanidinoacetate N-methyltransferase; minus strand), LOC130062945 (ATAC-STARR-seq lymphoblastoid silent region 9707; plus strand). Cytogenetic location: 19p13.3.
Variant type: single nucleotide variant.
Coding change: c.-44C>A on transcript NM_000156.6 (MANE Select); 44 bases upstream of the start codon, C replaced by A.
Molecular consequence: 5 prime UTR variant.
Genome position (GRCh38, 1-based): chr19:1,401,520, G>T on the plus strand (C>A on the coding strand, the complement: GAMT is on the minus strand). VCF-style: chr19-1401520-G-T. GRCh37 (hg19) VCF-style: chr19-1401519-G-T.
Other names: c.-44C>A (NM_138924.3).
Identifiers: ClinVar variation 518089 (VCV000518089.1), dbSNP rs545640420, ClinGen allele CA631301062.

ClinVar aggregate classification (germline): Likely benign (1 of 4 stars; one submission).

gnomAD v4.1: 5 of 1,267,962 alleles (0.00039%); highest among the groups gnomAD compares: African/African-American, 0.0063%; no homozygotes.

Submission:

GeneDx
Classification: Likely benign. Last evaluated: 2017-06-20. Review status: criteria provided, single submitter. Criteria: GeneDx Variant Classification (06012015). Collection method: clinical testing. Allele origin: germline. Affected: yes.
Comment: This variant is considered likely benign or benign based on one or more of the following criteria: it is a conservative change, it occurs at a poorly conserved position in the protein, it is predicted to be benign by multiple in silico algorithms, and/or has population frequency not consistent with disease.